The following is an entry in ClinVar:

ClinVar aggregate classification (germline): Uncertain significance (1 of 4 stars; one submission).

Submission:

CeGaT Center for Human Genetics Tuebingen
Classification: Uncertain significance. Last evaluated: 2026-02-01. Review status: criteria provided, single submitter. Criteria: CeGaT Center For Human Genetics Tuebingen Variant Classification Criteria Version 2. Collection method: clinical testing. Allele origin: germline. Affected: yes. Observed: 1 variant allele.
Comment: TTN: PM2, BP4

NM_001267550.2(TTN):c.11311+3889G>C

Gene: TTN (titin; minus strand). Cytogenetic location: 2q31.2.
Variant type: single nucleotide variant.
Coding change: c.11311+3889G>C on transcript NM_001267550.2 (MANE Select); 3889 bases into the intron after coding-DNA position 11311, G replaced by C.
Molecular consequence: intron variant. On other transcripts: missense variant (1).
Genome position (GRCh38, 1-based): chr2:178,749,235, C>G on the plus strand (G>C on the coding strand, the complement: TTN is on the minus strand). VCF-style: chr2-178749235-C-G. GRCh37 (hg19) VCF-style: chr2-179613962-C-G.
Other names: c.10360+3889G>C (NM_133378.4, NM_001256850.1); c.13165G>C, p.Val4389Leu (NM_133379.5); c.10222+3889G>C (NM_003319.4); c.10798+3889G>C (NM_133437.4); c.10597+3889G>C (NM_133432.3); short protein forms V4389L.
Identifiers: ClinVar variation 4823350 (VCV004823350.4).